The following is an entry in ClinVar:

ClinVar aggregate classification (germline): Conflicting classifications of pathogenicity. Review status: criteria provided, conflicting classifications (1 of 4 stars). 3 submissions from 3 submitters: Uncertain significance (2); Likely benign (1). Last evaluated 2024-10-24.

Conditions:
Hereditary cancer-predisposing syndrome. Also called: Tumor predisposition; Hereditary neoplastic syndrome; Neoplastic Syndromes, Hereditary; Hereditary Cancer Syndrome. Identifiers: Orphanet 140162, MedGen C0027672, MeSH D009386, MONDO:0015356.
Hereditary breast ovarian cancer syndrome. Also called: BRCA1- and BRCA2-Associated Hereditary Breast and Ovarian Cancer; Hereditary breast and ovarian cancer; Hereditary breast and/or ovarian cancer syndrome; Hereditary breast and ovarian cancer syndrome; Hereditary breast and ovarian cancer syndrome (HBOC); Breast and ovarian cancer. Identifiers: Orphanet 145, MedGen C0677776, MeSH D061325, MONDO:0003582. Disease mechanism: loss of function.

Allele frequency attached by ClinVar (database versions not stated): gnomAD exomes below 0.00001.
gnomAD v4.1: 2 of 1,594,946 alleles (0.00013%); highest among the groups gnomAD compares: Non-Finnish European, 0.00017%; no homozygotes.

Submissions (3):

Ambry Genetics
Classification: Uncertain significance for Hereditary cancer-predisposing syndrome. Last evaluated: 2024-10-24. Review status: criteria provided, single submitter. Criteria: Ambry Variant Classification Scheme 2023. Collection method: clinical testing. Allele origin: germline.
Comment: The p.D1345H variant (also known as c.4033G>C), located in coding exon 10 of the BRCA2 gene, results from a G to C substitution at nucleotide position 4033. The aspartic acid at codon 1345 is replaced by histidine, an amino acid with similar properties. This amino acid position is conserved. In addition, this alteration is predicted to be tolerated by in silico analysis. Based on the available evidence, the clinical significance of this variant remains unclear.

University of Washington Department of Laboratory Medicine, University of Washington
Classification: Likely benign for Hereditary cancer-predisposing syndrome. Last evaluated: 2023-03-23. Review status: criteria provided, single submitter. Criteria: Dines et al. (Genet Med. 2020). Collection method: curation. Allele origin: germline.
Comment: Missense variant in a coldspot region where missense variants are very unlikely to be pathogenic (PMID:31911673).

BRCA2 exon 11 coldspot. Reclassification based on statistical prior probability.

Labcorp Genetics (formerly Invitae), Labcorp
Classification: Uncertain significance for Hereditary breast ovarian cancer syndrome. Last evaluated: 2021-06-09. Review status: criteria provided, single submitter. Criteria: Invitae Variant Classification Sherloc (09022015). Collection method: clinical testing. Allele origin: germline.
Comment: This variant is not present in population databases (ExAC no frequency). This sequence change replaces aspartic acid with histidine at codon 1345 of the BRCA2 protein (p.Asp1345His). The aspartic acid residue is weakly conserved and there is a moderate physicochemical difference between aspartic acid and histidine. This variant has not been reported in the literature in individuals with BRCA2-related conditions. Advanced modeling of protein sequence and biophysical properties (such as structural, functional, and spatial information, amino acid conservation, physicochemical variation, residue mobility, and thermodynamic stability) performed at Invitae indicates that this missense variant is not expected to disrupt BRCA2 protein function. In summary, the available evidence is currently insufficient to determine the role of this variant in disease. Therefore, it has been classified as a Variant of Uncertain Significance.

NM_000059.4(BRCA2):c.4033G>C (p.Asp1345His)

Gene: BRCA2 (BRCA2 DNA repair associated; plus strand). Cytogenetic location: 13q13.1.
Variant type: single nucleotide variant.
Coding change: c.4033G>C on transcript NM_000059.4 (MANE Select); coding-DNA position 4033, G replaced by C.
Protein change: p.Asp1345His; replaces aspartic acid 1345 with histidine.
Molecular consequence: missense variant.
Genome position (GRCh38, 1-based): chr13:32,338,388, G>C. VCF-style: chr13-32338388-G-C. GRCh37 (hg19) VCF-style: chr13-32912525-G-C.
Other names: c.4033G>C (NM_000059.3); short protein forms D1345H.
Identifiers: ClinVar variation 1360077 (VCV001360077.10), dbSNP rs1555283516, ClinGen allele CA387779071.